The following is an entry in ClinVar:

ClinVar aggregate classification (germline): Uncertain significance (1 of 4 stars; one submission).

Conditions:
Sifrim-Hitz-Weiss syndrome (SIHIWES). Also called: SIFRIM-HITZ-WEISS MULTIPLE CONGENITAL ANOMALIES-MENTAL RETARDATION SYNDROME; CHD4 Neurodevelopmental Disorder. Identifiers: Orphanet 653712, MedGen C4310688, MONDO:0014946, OMIM 617159.

Submission:

Centre for Mendelian Genomics, University Medical Centre Ljubljana
Classification: Uncertain significance for Sifrim-Hitz-Weiss syndrome. Last evaluated: 2019-04-18. Review status: criteria provided, single submitter. Criteria: ACMG Guidelines, 2015. Collection method: clinical testing. Allele origin: unknown. Affected: yes.
Comment: This variant was classified as: Uncertain significance. The available evidence on this variant's pathogenicity is insufficient or conflicting. The following ACMG criteria were applied in classifying this variant: PM2,PP3.

NM_001273.5(CHD4):c.2478T>G (p.Asn826Lys)

Gene: CHD4 (chromodomain helicase DNA binding protein 4; minus strand). Cytogenetic location: 12p13.31.
Variant type: single nucleotide variant.
Coding change: c.2478T>G on transcript NM_001273.5 (MANE Select); coding-DNA position 2478, T replaced by G.
Protein change: p.Asn826Lys; replaces asparagine 826 with lysine.
Molecular consequence: missense variant.
Genome position (GRCh38, 1-based): chr12:6,593,452, A>C on the plus strand (T>G on the coding strand, the complement: CHD4 is on the minus strand). VCF-style: chr12-6593452-A-C. GRCh37 (hg19) VCF-style: chr12-6702618-A-C.
Other names: c.2457T>G, p.Asn819Lys (NM_001297553.2); c.2439T>G, p.Asn813Lys (NM_001363606.2); short protein forms N819K, N813K, N826K.
Identifiers: ClinVar variation 931910 (VCV000931910.3), dbSNP rs1948434895, ClinGen allele CA383592930.